The following is an entry in ClinVar:

NM_018668.5(VPS33B):c.658G>C (p.Gly220Arg)

Gene: VPS33B (VPS33B late endosome and lysosome associated; minus strand). Cytogenetic location: 15q26.1.
Variant type: single nucleotide variant.
Coding change: c.658G>C on transcript NM_018668.5 (MANE Select); coding-DNA position 658, G replaced by C.
Protein change: p.Gly220Arg; replaces glycine 220 with arginine.
Molecular consequence: missense variant.
Genome position (GRCh38, 1-based): chr15:91,006,992, C>G on the plus strand (G>C on the coding strand, the complement: VPS33B is on the minus strand). VCF-style: chr15-91006992-C-G. GRCh37 (hg19) VCF-style: chr15-91550222-C-G.
Other names: c.577G>C, p.Gly193Arg (NM_001289148.1); c.385G>C, p.Gly129Arg (NM_001289149.1); short protein forms G193R, G129R, G220R.
Identifiers: ClinVar variation 1463201 (VCV001463201.6), dbSNP rs2151671309, ClinGen allele CA393855074.

ClinVar aggregate classification (germline): Uncertain significance (1 of 4 stars; one submission).

Submission:

Labcorp Genetics (formerly Invitae), Labcorp
Classification: Uncertain significance. Last evaluated: 2023-12-06. Review status: criteria provided, single submitter. Criteria: Invitae Variant Classification Sherloc (09022015). Collection method: clinical testing. Allele origin: germline.
Comment: This sequence change replaces glycine, which is neutral and non-polar, with arginine, which is basic and polar, at codon 220 of the VPS33B protein (p.Gly220Arg). This variant is not present in population databases (gnomAD no frequency). This variant has not been reported in the literature in individuals affected with VPS33B-related conditions. ClinVar contains an entry for this variant (Variation ID: 1463201). Advanced modeling of protein sequence and biophysical properties (such as structural, functional, and spatial information, amino acid conservation, physicochemical variation, residue mobility, and thermodynamic stability) performed at Invitae indicates that this missense variant is not expected to disrupt VPS33B protein function with a negative predictive value of 80%. In summary, the available evidence is currently insufficient to determine the role of this variant in disease. Therefore, it has been classified as a Variant of Uncertain Significance.